The following is an entry in ClinVar:

ClinVar aggregate classification (germline): Uncertain significance (1 of 4 stars; one submission).

gnomAD v4.1: 2 of 1,614,094 alleles (0.00012%); highest among the groups gnomAD compares: Non-Finnish European, 0.00017%; no homozygotes.

Submission:

Labcorp Genetics (formerly Invitae), Labcorp
Classification: Uncertain significance. Last evaluated: 2021-12-03. Review status: criteria provided, single submitter. Criteria: Invitae Variant Classification Sherloc (09022015). Collection method: clinical testing. Allele origin: germline.
Comment: This variant has not been reported in the literature in individuals affected with RNF216-related conditions. In summary, the available evidence is currently insufficient to determine the role of this variant in disease. Therefore, it has been classified as a Variant of Uncertain Significance. Algorithms developed to predict the effect of missense changes on protein structure and function are either unavailable or do not agree on the potential impact of this missense change (SIFT: "Deleterious"; PolyPhen-2: "Possibly Damaging"; Align-GVGD: "Class C15"). This variant is not present in population databases (gnomAD no frequency). This sequence change replaces glycine, which is neutral and non-polar, with cysteine, which is neutral and slightly polar, at codon 132 of the RNF216 protein (p.Gly132Cys).

NM_207111.4(RNF216):c.394G>T (p.Gly132Cys)

Gene: RNF216 (ring finger protein 216; minus strand). Cytogenetic location: 7p22.1.
Variant type: single nucleotide variant.
Coding change: c.394G>T on transcript NM_207111.4 (MANE Select); coding-DNA position 394, G replaced by T.
Protein change: p.Gly132Cys; replaces glycine 132 with cysteine.
Molecular consequence: missense variant.
Genome position (GRCh38, 1-based): chr7:5,741,623, C>A on the plus strand (G>T on the coding strand, the complement: RNF216 is on the minus strand). VCF-style: chr7-5741623-C-A. GRCh37 (hg19) VCF-style: chr7-5781254-C-A.
Other names: c.223G>T, p.Gly75Cys (NM_001377156.1, NM_207116.3); short protein forms G132C, G75C.
Identifiers: ClinVar variation 1484367 (VCV001484367.6), dbSNP rs371431845, ClinGen allele CA366736844.